The following is an entry in ClinVar:

ClinVar aggregate classification (germline): Uncertain significance (1 of 4 stars; one submission).

Allele frequency attached by ClinVar (database versions not stated): gnomAD exomes below 0.00001; ExAC 0.00001; gnomAD 0.00001.

Submission:

Labcorp Genetics (formerly Invitae), Labcorp
Classification: Uncertain significance. Last evaluated: 2022-08-15. Review status: criteria provided, single submitter. Criteria: Invitae Variant Classification Sherloc (09022015). Collection method: clinical testing. Allele origin: germline.
Comment: This sequence change replaces aspartic acid, which is acidic and polar, with glutamic acid, which is acidic and polar, at codon 136 of the CNTNAP1 protein (p.Asp136Glu). This variant is present in population databases (rs762423623, gnomAD 0.001%). This variant has not been reported in the literature in individuals affected with CNTNAP1-related conditions. ClinVar contains an entry for this variant (Variation ID: 1440501). Algorithms developed to predict the effect of missense changes on protein structure and function (SIFT, PolyPhen-2, Align-GVGD) all suggest that this variant is likely to be tolerated. In summary, the available evidence is currently insufficient to determine the role of this variant in disease. Therefore, it has been classified as a Variant of Uncertain Significance.

NM_003632.3(CNTNAP1):c.408C>G (p.Asp136Glu)

Gene: CNTNAP1 (contactin associated protein 1; plus strand). Cytogenetic location: 17q21.2.
Variant type: single nucleotide variant.
Coding change: c.408C>G on transcript NM_003632.3 (MANE Select); coding-DNA position 408, C replaced by G.
Protein change: p.Asp136Glu; replaces aspartic acid 136 with glutamic acid.
Molecular consequence: missense variant.
Genome position (GRCh38, 1-based): chr17:42,685,035, C>G. VCF-style: chr17-42685035-C-G. GRCh37 (hg19) VCF-style: chr17-40837053-C-G.
Other names: short protein forms D136E.
Identifiers: ClinVar variation 1440501 (VCV001440501.3), dbSNP rs762423623, ClinGen allele CA8581511.
Genomic context (GRCh38, chr17:42,685,035, plus strand): 5'-TCCTCCACCCCCGCAGACCTTCTTTGGTAACGTGAACGAGTCGGCGGTGGTGCGCCATGA[C>G]CTGCACTTCCACTTCACTGCGCGCTACATCCGCATCGTGCCCCTGGCCTGGAACCCACGC-3'
Protein context (NP_003623.1, residues 126-146): NVNESAVVRH[Asp136Glu]LHFHFTARYI